The following is an entry in ClinVar:

NM_001082971.2(DDC):c.714+4A>T

Gene: DDC (dopa decarboxylase; minus strand). Cytogenetic location: 7p12.1.
Variant type: single nucleotide variant.
Coding change: c.714+4A>T on transcript NM_001082971.2 (MANE Select); 4 bases into the intron after coding-DNA position 714, A replaced by T.
Molecular consequence: intron variant.
Genome position (GRCh38, 1-based): chr7:50,528,133, T>A on the plus strand (A>T on the coding strand, the complement: DDC is on the minus strand). VCF-style: chr7-50528133-T-A. GRCh37 (hg19) VCF-style: chr7-50595831-T-A.
Other names: IVS6DS, A-T, +4; c.714+4A>T (NM_000790.4, NM_001242890.2); c.480+4A>T (NM_001242888.2); c.600+4A>T (NM_001242886.2); c.435+9727A>T (NM_001242889.2); c.570+1075A>T (NM_001242887.2).
Identifiers: ClinVar variation 864024 (VCV000864024.27), dbSNP rs200362242, ClinGen allele CA4262295.

ClinVar aggregate classification (germline): Pathogenic. Review status: criteria provided, multiple submitters, no conflicts (2 of 4 stars). 9 submissions from 9 submitters: Pathogenic (8). 1 of the submissions does not count toward it. Last evaluated 2026-01-28.

Conditions:
Deficiency of aromatic-L-amino-acid decarboxylase. Also called: AADC DEFICIENCY; Aromatic L-Amino Acid Decarboxylase Deficiency; Aromatic amino acid decarboxylase deficiency; DDC DEFICIENCY; DOPA DECARBOXYLASE DEFICIENCY. Identifiers: Orphanet 35708, MedGen C1291564, MONDO:0012084, OMIM 608643.
DDC-related disorder. Also called: DDC-related condition.

Allele frequency attached by ClinVar (database versions not stated): TOPMed 0.00008; ExAC 0.00018; 1000 Genomes Project 0.00020; gnomAD exomes 0.00024 and 0.00003; 1000 Genomes Project 30x 0.00031; gnomAD 0.00005 and 0.00006.
gnomAD v4.1: 52 of 1,612,484 alleles (0.0032%); highest among the groups gnomAD compares: East Asian, 0.11%; no homozygotes.

Submissions (9):

Labcorp Genetics (formerly Invitae), Labcorp
Classification: Pathogenic for Deficiency of aromatic-L-amino-acid decarboxylase. Last evaluated: 2026-01-28. Review status: criteria provided, single submitter. Criteria: Invitae Variant Classification Sherloc (09022015). Collection method: clinical testing. Allele origin: germline.
Comment: This sequence change falls in intron 6 of the DDC gene. It does not directly change the encoded amino acid sequence of the DDC protein. It affects a nucleotide within the consensus splice site. This variant is present in population databases (rs200362242, gnomAD 0.3%). This variant has been observed in individual(s) with aromatic L-amino acid decarboxylase deficiency (PMID: 17533144, 25001633, 28856607). It is commonly reported in individuals of Taiwanese ancestry (PMID: 17533144, 25001633, 28856607). ClinVar contains an entry for this variant (Variation ID: 864024). Variants that disrupt the consensus splice site are a relatively common cause of aberrant splicing (PMID: 17576681, 9536098). Algorithms developed to predict the effect of sequence changes on RNA splicing suggest that this variant may disrupt the consensus splice site. For these reasons, this variant has been classified as Pathogenic.

3billion
Classification: Pathogenic for Deficiency of aromatic-L-amino-acid decarboxylase. Last evaluated: 2025-12-10. Review status: criteria provided, single submitter. Criteria: ACMG Guidelines, 2015. Collection method: clinical testing. Allele origin: germline. Affected: yes.
Comment: The variant is observed at an extremely low frequency in the gnomAD v4.1.0 dataset (total allele frequency: 0.003%). Predicted Consequence/Location: Intron variant In silico tools predict the variant to alter splicing and produce an abnormal transcript [SpliceAI: 0.88 (>=0.2, moderate evidence for spliceogenicity)]. The variant has been observed in multiple (>3) similarly affected unrelated individuals (PMID: 28856607). The variant has been reported to be in trans with a pathogenic variant as either compound heterozygous or homozygous in at least one similarly affected unrelated individual (PMID: 28856607). The variant has been reported at least twice as pathogenic with clinical assertions and evidence for the classification (ClinVar ID: VCV000864024 /PMID: 17533144 /3billion dataset). Therefore, this variant is classified as Pathogenic according to the recommendation of ACMG/AMP guideline.

PreventionGenetics, part of Exact Sciences
Classification: Pathogenic for DDC-related condition. Last evaluated: 2025-10-14. Review status: criteria provided, single submitter. Criteria: ACMG Guidelines, 2015. Collection method: clinical testing. Allele origin: germline.
Comment: The DDC c.714+4A>T variant is predicted to interfere with splicing. This variant has been frequently identified in the homozygous or compound heterozygous states in patients affected with aromatic L-amino acid decarboxylase deficiency (see examples: Tay et al. 2007. PubMed ID: 17533144; Brun et al. 2010. PubMed ID: 20505134; Helman et al. 2014. PubMed ID: 25001633; Dai et al. 2020. PubMed ID: 31975548). mRNA analysis using patient lymphoblastoid cells demonstrated this variant results in aberrant splicing (Lee et al. 2009. PubMed ID: 18567514). This variant is reported in 0.33% of alleles in individuals of East Asian descent in gnomAD and is particularly prevalent in individuals of Taiwanese descent (Hwu et al. 2023. PubMed ID: 37701332). This variant has been consistently interpreted as pathogenic in the ClinVar database. This variant is interpreted as pathogenic.

Women's Health and Genetics/Laboratory Corporation of America, LabCorp
Classification: Pathogenic for Deficiency of aromatic-L-amino-acid decarboxylase. Last evaluated: 2023-12-15. Review status: criteria provided, single submitter. Criteria: LabCorp Variant Classification Summary - May 2015. Collection method: clinical testing. Allele origin: germline.
Comment: Variant summary: DDC c.714+4A>T alters a conserved nucleotide located close to a canonical splice site and therefore could affect mRNA splicing, leading to a significantly altered protein sequence. Several computational tools predict a significant impact on normal splicing: three predict the variant abolishes a 5' splicing donor site and one predicts the variant weakens a 5' donor site. Additionally, three predict the variant creates a 3' acceptor site. At least one publication reports experimental evidence that this variant affects mRNA splicing (e.g., Tsai_2018). The variant allele was found at a frequency of 3.2e-05 in 1612484 control chromosomes (no homozygotes), predominantly at a frequency of 0.0011 within the East Asian subpopulation in the gnomAD (v4) database. This frequency is approximately the same as that estimated for a pathogenic variant in DDC causing Deficiency Of Aromatic-L-Amino-Acid Decarboxylase (0.0011). c.714+4A>T has been reported in the literature in many homozygous and compound heterozygous individuals affected with Deficiency Of Aromatic-L-Amino-Acid Decarboxylase (e.g., Tai_2022). These data indicate that the variant is very likely to be associated with disease. The following publications have been ascertained in the context of this evaluation (PMID: 34763085, 30260058). Four submitters have reported clinical-significance assessments for this variant to ClinVar after 2014. All submitters classified the variant as pathogenic. Based on the evidence outlined above, the variant was classified as pathogenic.

GeneDx
Classification: Pathogenic. Last evaluated: 2023-03-19. Review status: criteria provided, single submitter. Criteria: GeneDx Variant Classification Process June 2021. Collection method: clinical testing. Allele origin: germline. Affected: yes.
Comment: Published functional studies demonstrate a damaging effect on splicing by enhancing the use of a downstream cryptic splice site, leading to the production of aberrant isoforms (Tsai et al., 2018); Also known as IVS6+4A>T; This variant is associated with the following publications: (PMID: 25525159, 31975548, 32369189, 32439973, 30260058, 33176815, 20505134, 30689738, 17576681, 32409695, 32005694, 31703131, 9536098, 34161777, 34253733, 30614627, 27216367, 25001633, 28856607, 18567514, 17533144)

Revvity Omics, Revvity
Classification: Pathogenic for Deficiency of aromatic-L-amino-acid decarboxylase. Last evaluated: 2021-05-26. Review status: criteria provided, single submitter. Criteria: ACMG Guidelines, 2015. Collection method: clinical testing. Allele origin: germline.

Elsea Laboratory, Baylor College of Medicine
Classification: Pathogenic for Deficiency of aromatic-L-amino-acid decarboxylase. Last evaluated: 2020-04-01. Review status: criteria provided, single submitter. Criteria: ACMG Guidelines, 2015. Collection method: clinical testing. Allele origin: maternal, paternal. Affected: yes.

Juno Genomics, Hangzhou Juno Genomics, Inc
Classification: Pathogenic for Deficiency of aromatic-L-amino-acid decarboxylase. Review status: criteria provided, single submitter. Criteria: ACMG Guidelines, 2015. Collection method: clinical testing. Allele origin: germline. Affected: yes.
Comment: Absent from controls (or at extremely low frequency if recessive) in Genome Aggregation Database.;Null variant in a gene where loss of function (LOF) is a known mechanism of disease.;For recessive disorders, detected in trans with a pathogenic variant.;Patient's phenotype or family history is highly specific for a disease with a single genetic etiology.

OMIM
Classification: Pathogenic for AROMATIC L-AMINO ACID DECARBOXYLASE DEFICIENCY. Last evaluated: 2010-07-06. Review status: no assertion criteria provided. Collection method: literature only. Allele origin: germline. Not counted in ClinVar's aggregate classification.

Literature cited by the submitters: PubMed 17533144 (cited by Labcorp Genetics (formerly Invitae), Labcorp and 3billion); PubMed 25001633 (cited by Labcorp Genetics (formerly Invitae), Labcorp); PubMed 28856607 (cited by Labcorp Genetics (formerly Invitae), Labcorp and 3billion); PubMed 17576681 (cited by Labcorp Genetics (formerly Invitae), Labcorp); PubMed 9536098 (cited by Labcorp Genetics (formerly Invitae), Labcorp); PubMed 34763085 (cited by Women's Health and Genetics/Laboratory Corporation of America, LabCorp); PubMed 30260058 (cited by Women's Health and Genetics/Laboratory Corporation of America, LabCorp); PubMed 20505134 (cited by OMIM).